The following is an entry in ClinVar:

NM_005548.3(KARS1):c.409G>C (p.Ala137Pro)

Gene: KARS1 (lysyl-tRNA synthetase 1; minus strand). Cytogenetic location: 16q23.1.
Variant type: single nucleotide variant.
Coding change: c.409G>C on transcript NM_005548.3 (MANE Select); coding-DNA position 409, G replaced by C.
Protein change: p.Ala137Pro; replaces alanine 137 with proline.
Molecular consequence: missense variant. On other transcripts: 5 prime UTR variant (1).
Genome position (GRCh38, 1-based): chr16:75,636,527, C>G on the plus strand (G>C on the coding strand, the complement: KARS1 is on the minus strand). VCF-style: chr16-75636527-C-G. GRCh37 (hg19) VCF-style: chr16-75670425-C-G.
Other names: c.493G>C, p.Ala165Pro (NM_001130089.2); c.-60G>C (NM_001378148.1); short protein forms A165P, A137P.
Identifiers: ClinVar variation 3663439 (VCV003663439.2).

ClinVar aggregate classification (germline): Uncertain significance (1 of 4 stars; one submission).

Submission:

Labcorp Genetics (formerly Invitae), Labcorp
Classification: Uncertain significance. Last evaluated: 2024-12-09. Review status: criteria provided, single submitter. Criteria: Invitae Variant Classification Sherloc (09022015). Collection method: clinical testing. Allele origin: germline.
Comment: This sequence change replaces alanine, which is neutral and non-polar, with proline, which is neutral and non-polar, at codon 165 of the KARS protein (p.Ala165Pro). This variant is not present in population databases (gnomAD no frequency). This variant has not been reported in the literature in individuals affected with KARS-related conditions. Invitae Evidence Modeling of protein sequence and biophysical properties (such as structural, functional, and spatial information, amino acid conservation, physicochemical variation, residue mobility, and thermodynamic stability) indicates that this missense variant is not expected to disrupt KARS protein function with a negative predictive value of 80%. In summary, the available evidence is currently insufficient to determine the role of this variant in disease. Therefore, it has been classified as a Variant of Uncertain Significance.